The following is an entry in ClinVar:

NM_000465.4(BARD1):c.2177C>T (p.Pro726Leu)

Gene: BARD1 (BRCA1 associated RING domain 1; minus strand). Cytogenetic location: 2q35.
Variant type: single nucleotide variant.
Coding change: c.2177C>T on transcript NM_000465.4 (MANE Select); coding-DNA position 2177, C replaced by T.
Protein change: p.Pro726Leu; replaces proline 726 with leucine.
Molecular consequence: missense variant. On other transcripts: non-coding transcript variant (3).
Genome position (GRCh38, 1-based): chr2:214,728,833, G>A on the plus strand (C>T on the coding strand, the complement: BARD1 is on the minus strand). VCF-style: chr2-214728833-G-A. GRCh37 (hg19) VCF-style: chr2-215593557-G-A.
Other names: c.2120C>T, p.Pro707Leu (NM_001282543.2); c.824C>T, p.Pro275Leu (NM_001282545.2); c.767C>T, p.Pro256Leu (NM_001282548.2); c.638C>T, p.Pro213Leu (NM_001282549.2); short protein forms P707L, P726L, P213L, P256L, P275L.
Identifiers: ClinVar variation 3722922 (VCV003722922.2).

ClinVar aggregate classification (germline): Uncertain significance (1 of 4 stars; one submission).

Conditions:
Familial cancer of breast. Also called: Hereditary breast cancer; BREAST CANCER, FAMILIAL; hereditary breast carcinoma. Identifiers: Orphanet 227535, MedGen C0346153, MONDO:0016419, OMIM 114480. Disease mechanism: loss of function.

Submission:

Labcorp Genetics (formerly Invitae), Labcorp
Classification: Uncertain significance for Familial cancer of breast. Last evaluated: 2024-10-15. Review status: criteria provided, single submitter. Criteria: Invitae Variant Classification Sherloc (09022015). Collection method: clinical testing. Allele origin: germline.
Comment: This sequence change replaces proline, which is neutral and non-polar, with leucine, which is neutral and non-polar, at codon 726 of the BARD1 protein (p.Pro726Leu). This variant is not present in population databases (gnomAD no frequency). This variant has not been reported in the literature in individuals affected with BARD1-related conditions. An algorithm developed to predict the effect of missense changes on protein structure and function (PolyPhen-2) suggests that this variant is likely to be disruptive. In summary, the available evidence is currently insufficient to determine the role of this variant in disease. Therefore, it has been classified as a Variant of Uncertain Significance.